The following is an entry in ClinVar:

ClinVar aggregate classification (germline): Uncertain significance. Review status: criteria provided, multiple submitters, no conflicts (2 of 4 stars). 2 submissions from 2 submitters: Uncertain significance (2). Last evaluated 2025-03-13.

Conditions:
Inborn genetic diseases. Identifiers: MedGen C0950123, MeSH D030342.

Allele frequency attached by ClinVar (database versions not stated): gnomAD exomes below 0.00001; ExAC 0.00001; TOPMed 0.00002; gnomAD 0.00003.
gnomAD v4.1: 11 of 1,614,014 alleles (0.00068%); highest among the groups gnomAD compares: Admixed American, 0.015%; no homozygotes.

Submissions (2):

GeneDx
Classification: Uncertain significance. Last evaluated: 2025-03-13. Review status: criteria provided, single submitter. Criteria: GeneDx Variant Classification Process June 2021. Collection method: clinical testing. Allele origin: germline. Affected: yes.
Comment: In silico analysis supports that this missense variant has a deleterious effect on protein structure/function; Has not been previously published as pathogenic or benign to our knowledge

Ambry Genetics
Classification: Uncertain significance for Inborn genetic diseases. Last evaluated: 2023-08-15. Review status: criteria provided, single submitter. Criteria: Ambry Variant Classification Scheme 2023. Collection method: clinical testing. Allele origin: germline.

NM_015692.5(CPAMD8):c.4403C>A (p.Ala1468Glu)

Gene: CPAMD8 (C3 and PZP like alpha-2-macroglobulin domain containing 8; minus strand). Cytogenetic location: 19p13.11.
Variant type: single nucleotide variant.
Coding change: c.4403C>A on transcript NM_015692.5 (MANE Select); coding-DNA position 4403, C replaced by A.
Protein change: p.Ala1468Glu; replaces alanine 1468 with glutamic acid.
Molecular consequence: missense variant.
Genome position (GRCh38, 1-based): chr19:16,903,706, G>T on the plus strand (C>A on the coding strand, the complement: CPAMD8 is on the minus strand). VCF-style: chr19-16903706-G-T. GRCh37 (hg19) VCF-style: chr19-17014516-G-T.
Other names: short protein forms A1468E.
Identifiers: ClinVar variation 2619031 (VCV002619031.3), dbSNP rs768430988, ClinGen allele CA9284629.
Genomic context (GRCh38, chr19:16,903,706, plus strand): 5'-GGCCCTGCTGACCCCTCCTCCAACAACCCCCAAACCCTCATCCCAGGAACACGCACCGCT[G>T]CTGTCTGCAGAACCTTCTGGTTGGTCCTGTGCAGCTCGAAGGTTTCCTGGTAGTCCAGGT-3'
Protein context (NP_056507.3, residues 1458-1478): HRTNQKVLQT[Ala1468Glu]AIPSLPTGLF